The following is an entry in ClinVar:

ClinVar aggregate classification (germline): Uncertain significance (1 of 4 stars; one submission).

gnomAD v4.1: 14 of 1,613,804 alleles (0.00087%); highest among the groups gnomAD compares: African/African-American, 0.011%; no homozygotes.

Submission:

GeneDx
Classification: Uncertain significance. Last evaluated: 2025-02-05. Review status: criteria provided, single submitter. Criteria: GeneDx Variant Classification Process June 2021. Collection method: clinical testing. Allele origin: germline. Affected: yes.
Comment: Not observed at significant frequency in large population cohorts (gnomAD); Missense variant in a gene in which most reported pathogenic variants are truncating/loss of function; Has not been previously published as pathogenic or benign to our knowledge; Located in a specific region of the I-band within TTN for which truncating variants are significantly associated with autosomal dominant cardiomyopathy and also with autosomal recessive skeletal myopathies (PMID: 27625338, 27869827, 32778822)

NM_001267550.2(TTN):c.6547G>A (p.Val2183Ile)

Gene: TTN (titin; minus strand). Cytogenetic location: 2q31.2.
Variant type: single nucleotide variant.
Coding change: c.6547G>A on transcript NM_001267550.2 (MANE Select); coding-DNA position 6547, G replaced by A.
Protein change: p.Val2183Ile; replaces valine 2183 with isoleucine.
Molecular consequence: missense variant.
Genome position (GRCh38, 1-based): chr2:178,775,164, C>T on the plus strand (G>A on the coding strand, the complement: TTN is on the minus strand). VCF-style: chr2-178775164-C-T. GRCh37 (hg19) VCF-style: chr2-179639891-C-T.
Other names: c.6547G>A, p.Val2183Ile (NM_001256850.1, NM_133378.4, NM_133379.5); c.6409G>A, p.Val2137Ile (NM_003319.4, NM_133432.3, NM_133437.4); short protein forms V2137I, V2183I.
Identifiers: ClinVar variation 3602258 (VCV003602258.2).
Genomic context (GRCh38, chr2:178,775,164, plus strand): 5'-CAAATGGTTCTGAAGTTTCACATTCAAAGGTTGCCATAGTGTCTTTTTCCTTAGCAACAA[C>T]ATCTTGTAATTCCTGTGTGAAAGTGATCAATTGCTTGGCTACAAGAAAAAGGTGGGGGAA-3'
Protein context (NP_001254479.2, residues 2173-2193): LITFTQELQD[Val2183Ile]VAKEKDTMAT